The following is an entry in ClinVar:

ClinVar aggregate classification (germline): Likely benign (1 of 4 stars; one submission).

Allele frequency attached by ClinVar (database versions not stated): gnomAD 0.00380 and 0.00399; TOPMed 0.00405; 1000 Genomes Project 0.00419; 1000 Genomes Project 30x 0.00453.
gnomAD v4.1: 568 of 152,258 alleles (0.37%); highest among the groups gnomAD compares: African/African-American, 1.3%; 8 homozygotes.

Submission:

GeneDx
Classification: Likely benign. Last evaluated: 2021-10-29. Review status: criteria provided, single submitter. Criteria: GeneDx Variant Classification Process June 2021. Collection method: clinical testing. Allele origin: germline. Affected: yes.
Comment: See Variant Classification Assertion Criteria.

NM_016277.5(RAB23):c.575-170C>G

Gene: RAB23 (RAB23, member RAS oncogene family; minus strand). Cytogenetic location: 6p12.1.
Variant type: single nucleotide variant.
Coding change: c.575-170C>G on transcript NM_016277.5 (MANE Select); 170 bases into the intron before coding-DNA position 575, C replaced by G.
Molecular consequence: intron variant.
Genome position (GRCh38, 1-based): chr6:57,190,770, G>C on the plus strand (C>G on the coding strand, the complement: RAB23 is on the minus strand). VCF-style: chr6-57190770-G-C. GRCh37 (hg19) VCF-style: chr6-57055568-G-C.
Other names: c.575-170C>G (NM_001278666.2, NM_001278667.2, NM_001278668.2 and 1 more transcripts).
Identifiers: ClinVar variation 1683803 (VCV001683803.2), dbSNP rs149295776, ClinGen allele CA139736153.